The following is an entry in ClinVar:

ClinVar aggregate classification (germline): Uncertain significance (1 of 4 stars; one submission).

Conditions:
Inborn genetic diseases. Identifiers: MedGen C0950123, MeSH D030342.

gnomAD v4.1: 2 of 1,614,128 alleles (0.00012%); highest among the groups gnomAD compares: Admixed American, 0.0017%; no homozygotes.

Submission:

Ambry Genetics
Classification: Uncertain significance for Inborn genetic diseases. Last evaluated: 2026-06-23. Review status: criteria provided, single submitter. Criteria: Ambry Variant Classification Scheme 2023. Collection method: clinical testing. Allele origin: germline.
Comment: The c.358G>A (p.V120I) alteration is located in exon 3 (coding exon 1) of the NR4A2 gene. This alteration results from a G to A substitution at nucleotide position 358, causing the valine (V) at amino acid position 120 to be replaced by an isoleucine (I). Based on data from gnomAD, the A allele has an overall frequency of <0.001% (1/251398) total alleles studied. The highest observed frequency was 0.003% (1/34586) of Latino alleles. Based on insufficient or conflicting evidence, the clinical significance of this alteration remains unclear.

NM_006186.4(NR4A2):c.358G>A (p.Val120Ile)

Gene: NR4A2 (nuclear receptor subfamily 4 group A member 2; minus strand). Cytogenetic location: 2q24.1.
Variant type: single nucleotide variant.
Coding change: c.358G>A on transcript NM_006186.4 (MANE Select); coding-DNA position 358, G replaced by A.
Protein change: p.Val120Ile; replaces valine 120 with isoleucine.
Molecular consequence: missense variant.
Genome position (GRCh38, 1-based): chr2:156,329,829, C>T on the plus strand (G>A on the coding strand, the complement: NR4A2 is on the minus strand). VCF-style: chr2-156329829-C-T. GRCh37 (hg19) VCF-style: chr2-157186341-C-T.
Other names: c.169G>A, p.Val57Ile (NM_173173.3); short protein forms V57I, V120I.
Identifiers: ClinVar variation 5025856 (VCV005025856.1).
Genomic context (GRCh38, chr2:156,329,829, plus strand): 5'-TGTGCTGCACCTGGAAGCCCGGGGTGGTGGGCGTCGGGGGCGAGGAGGGCTTGTAGTAAA[C>T]CGACCCGGAGTGCGGCATCATCTCCTCAGACTGGGGGGGCAGGTGGCTGTGTTGCTGGTA-3'
Protein context (NP_006177.1, residues 110-130): SEEMMPHSGS[Val120Ile]YYKPSSPPTP